The following is an entry in ClinVar:

ClinVar aggregate classification (germline): Uncertain significance (1 of 4 stars; one submission).

Conditions:
Cardiovascular phenotype. Identifiers: MedGen CN230736.

gnomAD v4.1: 1 of 1,611,310 alleles (0.000062%); highest among the groups gnomAD compares: African/African-American, 0.0013%; no homozygotes.

Submission:

Ambry Genetics
Classification: Uncertain significance for Cardiovascular phenotype. Last evaluated: 2024-05-06. Review status: criteria provided, single submitter. Criteria: Ambry Variant Classification Scheme 2023. Collection method: clinical testing. Allele origin: germline.
Comment: The p.Q3313* variant (also known as c.9937C>T), located in coding exon 69 of the RYR2 gene, results from a C to T substitution at nucleotide position 9937. This changes the amino acid from a glutamine to a stop codon within coding exon 69. This alteration is expected to result in protein truncation or nonsense-mediated mRNA decay. However, loss of function of RYR2 has not been established as a mechanism of disease. Based on the available evidence, the clinical significance of this alteration remains unclear.

NM_001035.3(RYR2):c.9937C>T (p.Gln3313Ter)

Gene: RYR2 (ryanodine receptor 2; plus strand). Cytogenetic location: 1q43.
Variant type: single nucleotide variant.
Coding change: c.9937C>T on transcript NM_001035.3 (MANE Select); coding-DNA position 9937, C replaced by T.
Protein change: p.Gln3313Ter; replaces glutamine 3313 with a stop codon.
Molecular consequence: nonsense.
Genome position (GRCh38, 1-based): chr1:237,708,893, C>T. VCF-style: chr1-237708893-C-T. GRCh37 (hg19) VCF-style: chr1-237872193-C-T.
Other names: short protein forms Q3313*.
Identifiers: ClinVar variation 3315888 (VCV003315888.1).